The following is an entry in ClinVar:

ClinVar aggregate classification (germline): Uncertain significance (1 of 4 stars; one submission).

Conditions:
Ullrich congenital muscular dystrophy 2 (UCMD2). Identifiers: Orphanet 75840, MedGen C4225314, MONDO:0014654, OMIM 616470.
Bethlem myopathy 2 (BTHLM2). Identifiers: Orphanet 536516, Orphanet 610, MedGen C4225313, MONDO:0034022, OMIM 616471.

Submission:

Labcorp Genetics (formerly Invitae), Labcorp
Classification: Uncertain significance for Bethlem myopathy 2; Ullrich congenital muscular dystrophy 2. Last evaluated: 2022-03-18. Review status: criteria provided, single submitter. Criteria: Invitae Variant Classification Sherloc (09022015). Collection method: clinical testing. Allele origin: germline.
Comment: This sequence change replaces serine, which is neutral and polar, with asparagine, which is neutral and polar, at codon 185 of the COL12A1 protein (p.Ser185Asn). This variant is not present in population databases (gnomAD no frequency). This variant has not been reported in the literature in individuals affected with COL12A1-related conditions. Algorithms developed to predict the effect of missense changes on protein structure and function are either unavailable or do not agree on the potential impact of this missense change (SIFT: "Deleterious"; PolyPhen-2: "Probably Damaging"; Align-GVGD: "Class C0"). In summary, the available evidence is currently insufficient to determine the role of this variant in disease. Therefore, it has been classified as a Variant of Uncertain Significance.

NM_004370.6(COL12A1):c.554G>A (p.Ser185Asn)

Gene: COL12A1 (collagen type XII alpha 1 chain; minus strand). Cytogenetic location: 6q13.
Variant type: single nucleotide variant.
Coding change: c.554G>A on transcript NM_004370.6 (MANE Select); coding-DNA position 554, G replaced by A.
Protein change: p.Ser185Asn; replaces serine 185 with asparagine.
Molecular consequence: missense variant. On other transcripts: intron variant (1).
Genome position (GRCh38, 1-based): chr6:75,189,656, C>T on the plus strand (G>A on the coding strand, the complement: COL12A1 is on the minus strand). VCF-style: chr6-75189656-C-T. GRCh37 (hg19) VCF-style: chr6-75899372-C-T.
Other names: c.73+13064G>A (NM_080645.3); short protein forms S185N.
Identifiers: ClinVar variation 1428267 (VCV001428267.8), dbSNP rs2149475753, ClinGen allele CA364729021.